The following is an entry in ClinVar:

ClinVar aggregate classification (germline): Uncertain significance (1 of 4 stars; one submission).

Conditions:
Familial cold autoinflammatory syndrome 3 (FCAS3). Also called: FAMILIAL ATYPICAL COLD URTICARIA; ANTIBODY DEFICIENCY AND IMMUNE DYSREGULATION, PLCG2-ASSOCIATED. Identifiers: Orphanet 300359, MedGen C3280914, MONDO:0013766, OMIM 614468.

Submission:

Labcorp Genetics (formerly Invitae), Labcorp
Classification: Uncertain significance for Familial cold autoinflammatory syndrome 3. Last evaluated: 2025-02-13. Review status: criteria provided, single submitter. Criteria: Invitae Variant Classification Sherloc (09022015). Collection method: clinical testing. Allele origin: germline.
Comment: This sequence change replaces glycine, which is neutral and non-polar, with valine, which is neutral and non-polar, at codon 1161 of the PLCG2 protein (p.Gly1161Val). This variant is not present in population databases (gnomAD no frequency). This variant has not been reported in the literature in individuals affected with PLCG2-related conditions. An algorithm developed to predict the effect of missense changes on protein structure and function (PolyPhen-2) suggests that this variant is likely to be disruptive. In summary, the available evidence is currently insufficient to determine the role of this variant in disease. Therefore, it has been classified as a Variant of Uncertain Significance.

NM_002661.5(PLCG2):c.3482G>T (p.Gly1161Val)

Gene: PLCG2 (phospholipase C gamma 2; plus strand). Cytogenetic location: 16q23.3.
Variant type: single nucleotide variant.
Coding change: c.3482G>T on transcript NM_002661.5 (MANE Select); coding-DNA position 3482, G replaced by T.
Protein change: p.Gly1161Val; replaces glycine 1161 with valine.
Molecular consequence: missense variant.
Genome position (GRCh38, 1-based): chr16:81,946,175, G>T. VCF-style: chr16-81946175-G-T. GRCh37 (hg19) VCF-style: chr16-81979780-G-T.
Other names: c.3482G>T, p.Gly1161Val (NM_001425749.1, NM_001425750.1, NM_001425751.1); short protein forms G1161V.
Identifiers: ClinVar variation 3713660 (VCV003713660.2).
Genomic context (GRCh38, chr16:81,946,175, plus strand): 5'-AAAATCTAAGGTCTGACATTAATTACCTGCCTTTGCATTTTCCTCCTTGTTCTGCTTCAG[G>T]ATTCAGGTCCGTTCCTCTGAAGAATGGGTACAGCGAGGACATAGAGCTGGCTTCCCTCCT-3'
Protein context (NP_002652.2, residues 1151-1171): ATYPIKAVKS[Gly1161Val]FRSVPLKNGY